The following is an entry in ClinVar:

NM_003079.5(SMARCE1):c.1005C>A (p.Asp335Glu)

Gene: SMARCE1 (SWI/SNF related BAF chromatin remodeling complex subunit E1; minus strand). Cytogenetic location: 17q21.2.
Variant type: single nucleotide variant.
Coding change: c.1005C>A on transcript NM_003079.5 (MANE Select); coding-DNA position 1005, C replaced by A.
Protein change: p.Asp335Glu; replaces aspartic acid 335 with glutamic acid.
Molecular consequence: missense variant.
Genome position (GRCh38, 1-based): chr17:40,630,736, G>T on the plus strand (C>A on the coding strand, the complement: SMARCE1 is on the minus strand). VCF-style: chr17-40630736-G-T. GRCh37 (hg19) VCF-style: chr17-38786988-G-T.
Other names: short protein forms D335E.
Identifiers: ClinVar variation 2696709 (VCV002696709.3), dbSNP rs1394131991, ClinGen allele CA399363170.
Genomic context (GRCh38, chr17:40,630,736, plus strand): 5'-TCTTGGCACTGCCTCTGCGTTTGTTGCTAGTGGGTTACCTGTCTCCATCGGAATGTTCTC[G>T]TCGTCTTTCTTCTCCTCGCCTTTGTTAGCTGCTTGTTCTTCCTCAGGAACGATGCTGCTC-3'
Protein context (NP_003070.3, residues 325-345): AANKGEEKKD[Asp335Glu]ENIPMETEET

ClinVar aggregate classification (germline): Uncertain significance (1 of 4 stars; one submission).

Conditions:
Familial meningioma. Also called: Meningioma, familial, susceptibility to. Identifiers: Orphanet 263662, MedGen C3551915, MONDO:0011789, OMIM 607174.

gnomAD v4.1: 2 of 1,614,036 alleles (0.00012%); highest among the groups gnomAD compares: Non-Finnish European, 0.00017%; no homozygotes.

Submission:

Labcorp Genetics (formerly Invitae), Labcorp
Classification: Uncertain significance for Familial meningioma. Last evaluated: 2023-11-17. Review status: criteria provided, single submitter. Criteria: Invitae Variant Classification Sherloc (09022015). Collection method: clinical testing. Allele origin: germline.
Comment: This sequence change replaces aspartic acid, which is acidic and polar, with glutamic acid, which is acidic and polar, at codon 335 of the SMARCE1 protein (p.Asp335Glu). This variant is not present in population databases (gnomAD no frequency). This variant has not been reported in the literature in individuals affected with SMARCE1-related conditions. Advanced modeling of protein sequence and biophysical properties (such as structural, functional, and spatial information, amino acid conservation, physicochemical variation, residue mobility, and thermodynamic stability) performed at Invitae indicates that this missense variant is not expected to disrupt SMARCE1 protein function with a negative predictive value of 80%. In summary, the available evidence is currently insufficient to determine the role of this variant in disease. Therefore, it has been classified as a Variant of Uncertain Significance.